The following is an entry in ClinVar:

NM_001384900.1(SEMA3D):c.1993T>A (p.Cys665Ser)

Genes: SEMA3D (semaphorin 3D; minus strand), LOC126860094 (BRD4-independent group 4 enhancer GRCh37_chr7:84628763-84629962; plus strand). Cytogenetic location: 7q21.11.
Variant type: single nucleotide variant.
Coding change: c.1993T>A on transcript NM_001384900.1 (MANE Select); coding-DNA position 1993, T replaced by A.
Protein change: p.Cys665Ser; replaces cysteine 665 with serine.
Molecular consequence: missense variant.
Genome position (GRCh38, 1-based): chr7:84,999,781, A>T on the plus strand (T>A on the coding strand, the complement: SEMA3D is on the minus strand). VCF-style: chr7-84999781-A-T. GRCh37 (hg19) VCF-style: chr7-84629097-A-T.
Other names: c.1993T>A, p.Cys665Ser (NM_001384901.1, NM_001384902.1, NM_001384903.1 and 1 more transcripts); short protein forms C665S.
Identifiers: ClinVar variation 3349119 (VCV003349119.1).
Genomic context (GRCh38, chr7:84,999,781, plus strand): 5'-CAATGACATTCAAAGTCAGCTTCACTATGGTGTGGATGAAAGTGTGCTCCTGGGCTTTGC[A>T]GTAATACATCCCAGAATCCTTCTTCTGCAAACTTCGAATCAGTAGCCCATATTCCGTTTT-3'
Protein context (NP_001371829.1, residues 655-675): LQKKDSGMYY[Cys665Ser]KAQEHTFIHT

ClinVar aggregate classification (germline): Uncertain significance (0 of 4 stars; one submission).

Conditions:
SEMA3D-related disorder. Also called: SEMA3D-related condition.

Submission:

PreventionGenetics, part of Exact Sciences
Classification: Uncertain significance for SEMA3D-related condition. Last evaluated: 2024-04-04. Review status: no assertion criteria provided. Collection method: clinical testing. Allele origin: germline.
Comment: The SEMA3D c.1993T>A variant is predicted to result in the amino acid substitution p.Cys665Ser. To our knowledge, this variant has not been reported in the literature or in a large population database, indicating this variant is rare. At this time, the clinical significance of this variant is uncertain due to the absence of conclusive functional and genetic evidence.